The following is an entry in ClinVar:

ClinVar aggregate classification (germline): Pathogenic/Likely pathogenic. Review status: criteria provided, multiple submitters, no conflicts (2 of 4 stars). 8 submissions from 8 submitters: Pathogenic (5); Likely pathogenic (1). 2 of the submissions do not count toward it. Last evaluated 2025-06-24.

Conditions:
OAT-related disorder. Also called: OAT-related condition.
Ornithine aminotransferase deficiency (GACR). Also called: OAT DEFICIENCY; OKT DEFICIENCY; Ornithine ketoacid aminotransferase deficiency; Gyrate atrophy; Gyrate atrophy of choroid and retina; Girate atrophy of the retina. Identifiers: Orphanet 414, MedGen C0018425, MONDO:0009796, OMIM 258870.

Submissions (8):

Natera, Inc.
Classification: Pathogenic for Gyrate atrophy. Last evaluated: 2025-06-24. Review status: criteria provided, single submitter. Criteria: Natera Variant Classification Schema (03/2026). Collection method: clinical testing. Allele origin: germline.
Comment: The c.192_193delAG variant in OAT is a frameshift variant predicted to shift the reading frame beginning at codon 65 and leads to a stop codon 15 codons downstream. This variant is expected to result in nonsense mediated decay, truncation, or a dysfunctional protein product. This variant is rare in the general population with a frequency below the threshold expected for the associated phenotype(s). This variant has been observed in one or more individuals affected with the associated recessive disease, as either homozygous or compound heterozygous with a second variant (PMID: 1609808). Given the available evidence, this variant is classified as Pathogenic.

Myriad Genetics, Inc.
Classification: Pathogenic for Ornithine aminotransferase deficiency. Last evaluated: 2025-03-17. Review status: criteria provided, single submitter. Criteria: Myriad Autosomal Dominant, Autosomal Recessive and X-Linked Classification Criteria (2023). Collection method: clinical testing. Allele origin: unknown.
Comment: NM_000274.3(OAT):c.192_193delAG(G65Kfs*15) is a frameshift variant classified as pathogenic in the context of ornithine aminotransferase deficiency. G65Kfs*15 has been observed in a case with relevant disease (PMID: 1609808). Relevant functional assessments of this variant are not available in the literature. G65Kfs*15 has been observed in referenced population frequency databases. In summary, NM_000274.3(OAT):c.192_193delAG(G65Kfs*15) is a frameshift variant in a gene where loss of function is a known mechanism of disease, is predicted to disrupt protein function, and has been observed more frequently in cases with the relevant disease than in healthy populations. Please note: this variant was assessed in the context of healthy population screening.

Fulgent Genetics
Classification: Likely pathogenic for Ornithine aminotransferase deficiency. Last evaluated: 2024-06-10. Review status: criteria provided, single submitter. Criteria: ACMG Guidelines, 2015. Collection method: clinical testing. Allele origin: germline.

Baylor Genetics
Classification: Pathogenic for Ornithine aminotransferase deficiency. Last evaluated: 2024-02-27. Review status: criteria provided, single submitter. Criteria: ACMG Guidelines, 2015. Collection method: clinical testing. Allele origin: unknown.

Labcorp Genetics (formerly Invitae), Labcorp
Classification: Pathogenic for Ornithine aminotransferase deficiency. Last evaluated: 2024-01-02. Review status: criteria provided, single submitter. Criteria: Invitae Variant Classification Sherloc (09022015). Collection method: clinical testing. Allele origin: germline.
Comment: This sequence change creates a premature translational stop signal (p.Gly65Lysfs*15) in the OAT gene. It is expected to result in an absent or disrupted protein product. Loss-of-function variants in OAT are known to be pathogenic (PMID: 1737786, 23076989). This variant is present in population databases (rs386833600, gnomAD 0.004%). This premature translational stop signal has been observed in individual(s) with clinical features of gyrate atrophy (PMID: 1609808). This variant is also known as 2-bp deletion (AG). ClinVar contains an entry for this variant (Variation ID: 178). For these reasons, this variant has been classified as Pathogenic.

Blueprint Genetics
Classification: Pathogenic for OAT-related disorders. Last evaluated: 2022-08-30. Review status: criteria provided, single submitter. Criteria: ACMG Guidelines, 2015. Collection method: clinical testing. Allele origin: germline. Affected: yes. Observed: 4 variant alleles.

OMIM
Classification: Pathogenic for GYRATE ATROPHY OF CHOROID AND RETINA. Last evaluated: 1992-07-01. Review status: no assertion criteria provided. Collection method: literature only. Allele origin: germline. Not counted in ClinVar's aggregate classification.

Juha Muilu Group; Institute for Molecular Medicine Finland (FIMM)
Classification: Likely pathogenic for Ornithine aminotransferase deficiency. Review status: no assertion criteria provided. Collection method: not provided. Allele origin: unknown. Not counted in ClinVar's aggregate classification.
Comment: FinDis database variant: This variant was not found or characterized by our laboratory, data were collected from public sources: see reference
ClinVar note: Converted during submission from probable-pathogenic to Likely pathogenic.

Literature cited by the submitters: PubMed 1609808 (cited by 4 submitters); PubMed 1737786 (cited by Labcorp Genetics (formerly Invitae), Labcorp); PubMed 23076989 (cited by Labcorp Genetics (formerly Invitae), Labcorp).

NM_000274.4(OAT):c.192_193del (p.Gly65fs)

Gene: OAT (ornithine aminotransferase; minus strand). Cytogenetic location: 10q26.13.
Variant type: Microsatellite.
Coding change: c.192_193del on transcript NM_000274.4 (MANE Select); coding-DNA positions 192 to 193, 2 bases deleted (AG; older notation c.192_193delAG).
Protein change: p.Gly65fs; shifts the reading frame from glycine 65.
Molecular consequence: frameshift variant. On other transcripts: intron variant (2).
Genome position (GRCh38, 1-based): chr10:124,411,979-124,411,980, CT deleted on the plus strand (AG on the coding strand, the reverse complement: OAT is on the minus strand); deleting any 2 consecutive bases within chr10:124,411,979-124,411,985 gives the same sequence; the c. name uses the placement nearest the transcript's 3' end. VCF-style (leftmost placement, unchanged base first): chr10-124411978-CCT-C. GRCh37 (hg19) VCF-style: chr10-126100547-CCT-C.
Other names: c.192_193del, p.Gly65fs (NM_001322965.2, NM_001322966.2, NM_001322967.2 and 4 more transcripts); c.-215-3019AG[2] (NM_001171814.2); c.-515-3019AG[2] (NM_001322974.2); c.192_193delAG (NM_000274.3); short protein forms G65fs.
Identifiers: ClinVar variation 178 (VCV000000178.24), dbSNP rs386833600, ClinGen allele CA212724.